The following is an entry in ClinVar:

NM_006506.5(RASA2):c.1678A>G (p.Ser560Gly)

Gene: RASA2 (RAS p21 protein activator 2; plus strand). Cytogenetic location: 3q23.
Variant type: single nucleotide variant.
Coding change: c.1678A>G on transcript NM_006506.5 (MANE Select); coding-DNA position 1678, A replaced by G.
Protein change: p.Ser560Gly; replaces serine 560 with glycine.
Molecular consequence: missense variant.
Genome position (GRCh38, 1-based): chr3:141,581,103, A>G. VCF-style: chr3-141581103-A-G. GRCh37 (hg19) VCF-style: chr3-141299945-A-G.
Other names: c.1678A>G, p.Ser560Gly (NM_001303245.3, NM_001303246.3); short protein forms S560G.
Identifiers: ClinVar variation 1945647 (VCV001945647.7), dbSNP rs373463558, ClinGen allele CA2645592.

ClinVar aggregate classification (germline): Conflicting classifications of pathogenicity. Review status: criteria provided, conflicting classifications (1 of 4 stars). 2 submissions from 2 submitters: Uncertain significance (1); Likely benign (1). Last evaluated 2025-02-16.

Allele frequency attached by ClinVar (database versions not stated): TOPMed 0.00001; gnomAD exomes 0.00002; ExAC 0.00008; ESP Exome Variant Server 0.00008.
gnomAD v4.1: 33 of 1,530,304 alleles (0.0022%); highest among the groups gnomAD compares: South Asian, 0.0039%; no homozygotes.

Submissions (4):

Laboratory of Genetics, Children's Clinical University Hospital Latvia
Classification: Likely benign. Last evaluated: 2025-02-16. Review status: criteria provided, single submitter. Criteria: ACMG Guidelines, 2015. Collection method: clinical testing. Allele origin: germline. Affected: yes.

Labcorp Genetics (formerly Invitae), Labcorp
Classification: Uncertain significance. Last evaluated: 2022-03-22. Review status: criteria provided, single submitter. Criteria: Invitae Variant Classification Sherloc (09022015). Collection method: clinical testing. Allele origin: germline.
Comment: In summary, the available evidence is currently insufficient to determine the role of this variant in disease. Therefore, it has been classified as a Variant of Uncertain Significance. Algorithms developed to predict the effect of sequence changes on RNA splicing suggest that this variant may create or strengthen a splice site. Algorithms developed to predict the effect of missense changes on protein structure and function (SIFT, PolyPhen-2, Align-GVGD) all suggest that this variant is likely to be tolerated. This variant has not been reported in the literature in individuals affected with RASA2-related conditions. This variant is present in population databases (rs373463558, gnomAD 0.005%). This sequence change replaces serine, which is neutral and polar, with glycine, which is neutral and non-polar, at codon 560 of the RASA2 protein (p.Ser560Gly).

Dr. Peter K. Rogan Lab, Western University
No classification provided (evidence only). Condition: Clear cell carcinoma of kidney. Review status: no classification provided. Collection method: in vitro. Allele origin: not applicable. Functional consequence: retained intron. Not counted in ClinVar's aggregate classification.

Dr. Peter K. Rogan Lab, Western University
No classification provided (evidence only). Condition: Familial cancer of breast. Review status: no classification provided. Collection method: in vitro. Allele origin: not applicable. Functional consequence: retained intron. Not counted in ClinVar's aggregate classification.